The following is an entry in ClinVar:

ClinVar aggregate classification (germline): Uncertain significance (1 of 4 stars; one submission).

Conditions:
Angelman syndrome-like. Identifiers: MedGen CN128785.
Developmental and epileptic encephalopathy, 2 (DEE2). Also called: INFANTILE SPASM SYNDROME, X-LINKED 2; CDKL5 deficiency disorder. Identifiers: Orphanet 1934, Orphanet 3451, Orphanet 505652, MedGen C4750718, MONDO:0010396, OMIM 300672.

Allele frequency attached by ClinVar (database versions not stated): gnomAD exomes 0.00001 and 0.00002; TOPMed 0.00001; ExAC 0.00002; gnomAD 0.00004.
gnomAD v4.1: 24 of 1,210,017 alleles (0.002%); highest among the groups gnomAD compares: Non-Finnish European, 0.0026%; no homozygotes.

Submission:

Labcorp Genetics (formerly Invitae), Labcorp
Classification: Uncertain significance for Developmental and epileptic encephalopathy, 2; Angelman syndrome-like. Last evaluated: 2024-10-23. Review status: criteria provided, single submitter. Criteria: Invitae Variant Classification Sherloc (09022015). Collection method: clinical testing. Allele origin: germline.
Comment: This sequence change replaces aspartic acid, which is acidic and polar, with valine, which is neutral and non-polar, at codon 856 of the CDKL5 protein (p.Asp856Val). This variant is present in population databases (rs770426025, gnomAD 0.006%). This variant has not been reported in the literature in individuals affected with CDKL5-related conditions. ClinVar contains an entry for this variant (Variation ID: 1492951). Invitae Evidence Modeling of protein sequence and biophysical properties (such as structural, functional, and spatial information, amino acid conservation, physicochemical variation, residue mobility, and thermodynamic stability) has been performed for this missense variant. However, the output from this modeling did not meet the statistical confidence thresholds required to predict the impact of this variant on CDKL5 protein function. In summary, the available evidence is currently insufficient to determine the role of this variant in disease. Therefore, it has been classified as a Variant of Uncertain Significance.

NM_001323289.2(CDKL5):c.2567A>T (p.Asp856Val)

Gene: CDKL5 (cyclin dependent kinase like 5; plus strand). Cytogenetic location: Xp22.13.
Variant type: single nucleotide variant.
Coding change: c.2567A>T on transcript NM_001323289.2 (MANE Select); coding-DNA position 2567, A replaced by T.
Protein change: p.Asp856Val; replaces aspartic acid 856 with valine.
Molecular consequence: missense variant.
Genome position (GRCh38, 1-based): chrX:18,628,441, A>T. VCF-style: chrX-18628441-A-T. GRCh37 (hg19) VCF-style: chrX-18646561-A-T.
Other names: c.2567A>T, p.Asp856Val (NM_001037343.2, NM_003159.3); short protein forms D856V.
Identifiers: ClinVar variation 1492951 (VCV001492951.8), dbSNP rs770426025, ClinGen allele CA10360566.
Genomic context (GRCh38, chrX:18,628,441, plus strand): 5'-TAAAATCACTGCGCAAGTTGTTACATCTCTCTTCGGCCTCAAATCACCCGGCTTCCTCAG[A>T]TCCCCGCTTCCAGCCCTTAACAGCTCAACAAACCAAAAATTCCTTCTCAGAAATTCGGAT-3'
Protein context (NP_001310218.1, residues 846-866): SSASNHPASS[Asp856Val]PRFQPLTAQQ